The following is an entry in ClinVar:

ClinVar aggregate classification (germline): Uncertain significance. Review status: criteria provided, multiple submitters, no conflicts (2 of 4 stars). 3 submissions from 3 submitters: Uncertain significance (3). Last evaluated 2025-10-27.

Conditions:
Hereditary cancer-predisposing syndrome. Also called: Hereditary Cancer Syndrome; Neoplastic Syndromes, Hereditary; Tumor predisposition; Hereditary neoplastic syndrome. Identifiers: Orphanet 140162, MedGen C0027672, MeSH D009386, MONDO:0015356.
Ataxia-telangiectasia syndrome (AT). Also called: Cerebello-oculocutaneous telangiectasia; Immunodeficiency with ataxia telangiectasia; Ataxia-telangiectasia, complementation group E; Ataxia-telangiectasia, complementation group D; AT, COMPLEMENTATION GROUP C; ATAXIA-TELANGIECTASIA, COMPLEMENTATION GROUP A. Identifiers: Orphanet 100, MedGen C0004135, MONDO:0008840, OMIM 208900.

Submissions (3):

Ambry Genetics
Classification: Uncertain significance for Hereditary cancer-predisposing syndrome. Last evaluated: 2025-10-27. Review status: criteria provided, single submitter. Criteria: Ambry Variant Classification Scheme 2023. Collection method: clinical testing. Allele origin: germline.
Comment: The p.C2930Y variant (also known as c.8789G>A), located in coding exon 60 of the ATM gene, results from a G to A substitution at nucleotide position 8789. The cysteine at codon 2930 is replaced by tyrosine, an amino acid with highly dissimilar properties. In an assay testing ATM function, this variant showed a functionally abnormal result (Lee KS et al. Cell, 2025 Sep;188:5081-5099.e27). This amino acid position is highly conserved in available vertebrate species. In addition, this alteration is predicted to be deleterious by in silico analysis. Based on the available evidence, the clinical significance of this variant remains unclear.

Labcorp Genetics (formerly Invitae), Labcorp
Classification: Uncertain significance for Ataxia-telangiectasia syndrome. Last evaluated: 2025-04-14. Review status: criteria provided, single submitter. Criteria: Invitae Variant Classification Sherloc (09022015). Collection method: clinical testing. Allele origin: germline.
Comment: This sequence change replaces cysteine, which is neutral and slightly polar, with tyrosine, which is neutral and polar, at codon 2930 of the ATM protein (p.Cys2930Tyr). This variant is not present in population databases (gnomAD no frequency). This missense change has been observed in individual(s) with clinical features of ataxia telangiectasia (internal data). ClinVar contains an entry for this variant (Variation ID: 490747). An algorithm developed to predict the effect of missense changes on protein structure and function (PolyPhen-2) suggests that this variant is likely to be disruptive. In summary, the available evidence is currently insufficient to determine the role of this variant in disease. Therefore, it has been classified as a Variant of Uncertain Significance.

Color Diagnostics, LLC DBA Color Health
Classification: Uncertain significance for Hereditary cancer-predisposing syndrome. Last evaluated: 2019-04-11. Review status: criteria provided, single submitter. Criteria: ACMG Guidelines, 2015. Collection method: clinical testing. Allele origin: germline.

Literature cited by the submitters: PubMed 40580951 (cited by Ambry Genetics).

NM_000051.4(ATM):c.8789G>A (p.Cys2930Tyr)

Genes: C11orf65 (chromosome 11 open reading frame 65; minus strand), ATM (ATM serine/threonine kinase; plus strand). Cytogenetic location: 11q22.3.
Variant type: single nucleotide variant.
Coding change: c.8789G>A on transcript NM_000051.4 (MANE Select); coding-DNA position 8789, G replaced by A.
Protein change: p.Cys2930Tyr; replaces cysteine 2930 with tyrosine.
Molecular consequence: missense variant. On other transcripts: intron variant (2).
Genome position (GRCh38, 1-based): chr11:108,354,813, G>A. VCF-style: chr11-108354813-G-A. GRCh37 (hg19) VCF-style: chr11-108225540-G-A.
Other names: c.8789G>A, p.Cys2930Tyr (NM_001351834.2); c.640+31107C>T (NM_001330368.2); c.695-19521C>T (NM_001351110.2); short protein forms C2930Y.
Identifiers: ClinVar variation 490747 (VCV000490747.11), dbSNP rs1060501572, ClinGen allele CA382525530.